The following is an entry in ClinVar:

ClinVar aggregate classification (germline): Conflicting classifications of pathogenicity. Review status: criteria provided, conflicting classifications (1 of 4 stars). 6 submissions from 6 submitters: Likely pathogenic (1); Uncertain significance (5). Last evaluated 2025-07-25.

Conditions:
Catecholaminergic polymorphic ventricular tachycardia (CVPT). Also called: Catecholamine-induced polymorphic ventricular tachycardia. Identifiers: Orphanet 3286, MedGen C5574922, MONDO:0017990.
Cardiomyopathy (CMYO). Also called: Cardiomyopathies. Identifiers: Orphanet 167848, MedGen C0878544, MONDO:0004994, HP:0001638. Inheritance: Various modes of inheritance.
Catecholaminergic polymorphic ventricular tachycardia 1. Also called: RYR2-Related Catecholaminergic Polymorphic Ventricular Tachycardia; VENTRICULAR TACHYCARDIA, STRESS-INDUCED POLYMORPHIC 1; VENTRICULAR TACHYCARDIA, CATECHOLAMINERGIC POLYMORPHIC, 1, WITH OR WITHOUT ATRIAL DYSFUNCTION AND/OR DILATED CARDIOMYOPATHY. Identifiers: Orphanet 3286, MedGen C1631597, MONDO:0011484, OMIM 604772.

Allele frequency attached by ClinVar (database versions not stated): gnomAD exomes below 0.00001 and 0.00001; gnomAD 0.00002; TOPMed 0.00002.
gnomAD v4.1: 20 of 1,608,520 alleles (0.0012%); highest among the groups gnomAD compares: East Asian, 0.0089%; no homozygotes.

Submissions (6):

Color Diagnostics, LLC DBA Color Health
Classification: Uncertain significance for Cardiomyopathy. Last evaluated: 2025-07-25. Review status: criteria provided, single submitter. Criteria: ACMG Guidelines, 2015. Collection method: clinical testing. Allele origin: germline.
Comment: This missense variant replaces alanine with valine at codon 2673 of the RYR2 protein. Computational prediction suggests that this variant may have a deleterious impact on protein structure and function. An experimental study has shown that this variant causes a slight change in calcium channel properties (PMID: 27756708), but clinical relevance of this observation is not known. This variant has been reported in an individual affected with short-coupled variant of torsade de pointes (PMID: 27756708). This variant has been identified in 1/240770 chromosomes in the general population by the Genome Aggregation Database (gnomAD). The available evidence is insufficient to determine the role of this variant in disease conclusively. Therefore, this variant is classified as a Variant of Uncertain Significance.

CeGaT Center for Human Genetics Tuebingen
Classification: Uncertain significance. Last evaluated: 2024-12-01. Review status: criteria provided, single submitter. Criteria: CeGaT Center For Human Genetics Tuebingen Variant Classification Criteria Version 2. Collection method: clinical testing. Allele origin: germline. Affected: yes. Observed: 1 variant allele.
Comment: RYR2: PM2, PP3, PS3:Supporting, PS4:Supporting

Labcorp Genetics (formerly Invitae), Labcorp
Classification: Uncertain significance for Catecholaminergic polymorphic ventricular tachycardia 1. Last evaluated: 2024-11-19. Review status: criteria provided, single submitter. Criteria: Invitae Variant Classification Sherloc (09022015). Collection method: clinical testing. Allele origin: germline.
Comment: This sequence change replaces alanine, which is neutral and non-polar, with valine, which is neutral and non-polar, at codon 2673 of the RYR2 protein (p.Ala2673Val). The frequency data for this variant in the population databases is considered unreliable, as metrics indicate poor data quality at this position in the gnomAD database. This missense change has been observed in individual(s) with clinical features of RYR2-related conditions (PMID: 27756708). ClinVar contains an entry for this variant (Variation ID: 222791). Invitae Evidence Modeling of protein sequence and biophysical properties (such as structural, functional, and spatial information, amino acid conservation, physicochemical variation, residue mobility, and thermodynamic stability) indicates that this missense variant is expected to disrupt RYR2 protein function with a positive predictive value of 95%. Experimental studies are conflicting or provide insufficient evidence to determine the effect of this variant on RYR2 function (PMID: 27756708). In summary, the available evidence is currently insufficient to determine the role of this variant in disease. Therefore, it has been classified as a Variant of Uncertain Significance.

3billion
Classification: Likely pathogenic for Catecholaminergic polymorphic ventricular tachycardia 1. Last evaluated: 2024-07-30. Review status: criteria provided, single submitter. Criteria: ACMG Guidelines, 2015. Collection method: clinical testing. Allele origin: germline. Affected: yes.
Comment: The variant is observed at an extremely low frequency in the gnomAD v4.0.0 dataset (total allele frequency: 0.001%). Missense changes are a common disease-causing mechanism. Functional studies provide moderate evidence of the variant having a damaging effect on the gene or gene product (PMID: 27756708, 27756708). In silico tool predictions suggest damaging effect of the variant on gene or gene product [REVEL: 0.71 (>=0.6, sensitivity 0.68 and specificity 0.92)]. The same nucleotide change resulting in the same amino acid change has been previously reported to be associated with RYR2-related disorder (PMID: 27756708). The variant has been observed in at least two similarly affected unrelated individuals (PMID: 27756708 / 3billion dataset). Therefore, this variant is classified as likely pathogenic according to the recommendation of ACMG/AMP guideline.

Blueprint Genetics
Classification: Uncertain significance. Last evaluated: 2024-01-16. Review status: criteria provided, single submitter. Criteria: ACMG Guidelines, 2015. Collection method: clinical testing. Allele origin: germline.

All of Us Research Program, National Institutes of Health
Classification: Uncertain significance for Catecholaminergic polymorphic ventricular tachycardia. Last evaluated: 2023-11-02. Review status: criteria provided, single submitter. Criteria: ACMG Guidelines, 2015. Collection method: clinical testing. Allele origin: germline. Inheritance: Autosomal dominant inheritance. Observed: 2 variant alleles, 2 heterozygotes.
Comment: This missense variant replaces alanine with valine at codon 2673 of the RYR2 protein. Computational prediction suggests that this variant may have deleterious impact on protein structure and function (internally defined REVEL score threshold >= 0.7, PMID: 27666373). An experimental study has shown that this variant causes a slight change in calcium channel properties (PMID: 27756708), but clinical relevance of this observation is not known. This variant has been reported in an individual affected with short-coupled variant of torsade de pointes (PMID: 27756708). This variant has been identified in 1/240770 chromosomes in the general population by the Genome Aggregation Database (gnomAD). The available evidence is insufficient to determine the role of this variant in disease conclusively. Therefore, this variant is classified as a Variant of Uncertain Significance.

This study involves interpretation of variants in research participants for the purpose of population health screening. Participant phenotype was not available at the time of variant classification. Additional details can be found in publication PMID: 35346344, PMCID: PMC8962531

Literature cited by the submitters: PubMed 27756708 (cited by 3 submitters).

NM_001035.3(RYR2):c.8018C>T (p.Ala2673Val)

Gene: RYR2 (ryanodine receptor 2; plus strand). Cytogenetic location: 1q43.
Variant type: single nucleotide variant.
Coding change: c.8018C>T on transcript NM_001035.3 (MANE Select); coding-DNA position 8018, C replaced by T.
Protein change: p.Ala2673Val; replaces alanine 2673 with valine.
Molecular consequence: missense variant.
Genome position (GRCh38, 1-based): chr1:237,655,873, C>T. VCF-style: chr1-237655873-C-T. GRCh37 (hg19) VCF-style: chr1-237819173-C-T.
Other names: c.8018C>T, p.Ala2673Val (LRG_402t1); short protein forms A2673V.
Identifiers: ClinVar variation 222791 (VCV000222791.23), dbSNP rs869025513, ClinGen allele CA351927.
Genomic context (GRCh38, chr1:237,655,873, plus strand): 5'-TTTCCCAGAAATATGAACAAGAACTTTTCAAACTGGCACTGCCTTGCCTGAGTGCAGTTG[C>T]GGGAGCTTTGCCTCCAGACTACATGGAGTCAAATTATGTCAGTATGATGGAAAAACAGTC-3'
Protein context (NP_001026.2, residues 2663-2683): KLALPCLSAV[Ala2673Val]GALPPDYMES